The following is an entry in ClinVar:

ClinVar aggregate classification (germline): Pathogenic (1 of 4 stars; one submission).

Conditions:
Tuberous sclerosis 1 (TSC1). Identifiers: Orphanet 805, MedGen C1854465, MONDO:0008612, OMIM 191100.

Submission:

Labcorp Genetics (formerly Invitae), Labcorp
Classification: Pathogenic for Tuberous sclerosis 1. Last evaluated: 2018-09-04. Review status: criteria provided, single submitter. Criteria: Invitae Variant Classification Sherloc (09022015). Collection method: clinical testing. Allele origin: germline.
Comment: This sequence change creates a premature translational stop signal (p.Ser91Argfs*7) in the TSC1 gene. It is expected to result in an absent or disrupted protein product. This variant is not present in population databases (ExAC no frequency). This variant has not been reported in the literature in individuals with TSC1-related disease. Loss-of-function variants in TSC1 are known to be pathogenic (PMID: 10227394, 17304050). For these reasons, this variant has been classified as Pathogenic.

Literature cited by the submitters: PubMed 10227394; PubMed 17304050.

NM_000368.5(TSC1):c.271del (p.Ser91fs)

Gene: TSC1 (TSC complex subunit 1; minus strand). Cytogenetic location: 9q34.13.
Variant type: Deletion.
Coding change: c.271del on transcript NM_000368.5 (MANE Select); coding-DNA position 271, one base deleted (T; older notation c.271delT).
Protein change: p.Ser91fs; shifts the reading frame from serine 91.
Molecular consequence: frameshift variant. On other transcripts: 5 prime UTR variant (1), intron variant (1).
Genome position (GRCh38, 1-based): chr9:132,925,679, A deleted on the plus strand (T on the coding strand, the reverse complement: TSC1 is on the minus strand). VCF-style (leftmost placement, unchanged base first): chr9-132925678-GA-G. GRCh37 (hg19) VCF-style: chr9-135801065-GA-G.
Other names: c.271del, p.Ser91fs (NM_001162426.2); c.-93del (NM_001362177.2); c.210+1522del (NM_001162427.2); c.271delT (NM_000368.4); short protein forms S91fs.
Identifiers: ClinVar variation 652137 (VCV000652137.7), dbSNP rs1588355566, ClinGen allele CA915947268.